The following is an entry in ClinVar:

ClinVar aggregate classification (germline): Uncertain significance. Review status: criteria provided, multiple submitters, no conflicts (2 of 4 stars). 3 submissions from 3 submitters: Uncertain significance (3). Last evaluated 2024-03-06.

Conditions:
Cardiomyopathy (CMYO). Also called: Cardiomyopathies. Identifiers: Orphanet 167848, MedGen C0878544, MONDO:0004994, HP:0001638. Inheritance: Various modes of inheritance.
Catecholaminergic polymorphic ventricular tachycardia (CVPT). Also called: Catecholamine-induced polymorphic ventricular tachycardia. Identifiers: Orphanet 3286, MedGen C5574922, MONDO:0017990.

gnomAD v4.1: 1 of 1,613,882 alleles (0.000062%); highest among the groups gnomAD compares: South Asian, 0.0011%; no homozygotes.

Submissions (3):

Color Diagnostics, LLC DBA Color Health
Classification: Uncertain significance for Cardiomyopathy. Last evaluated: 2024-03-06. Review status: criteria provided, single submitter. Criteria: ACMG Guidelines, 2015. Collection method: clinical testing. Allele origin: germline.
Comment: This missense variant replaces glycine with alanine at codon 1235 of the RYR2 protein. Computational prediction tool suggests that this variant may have deleterious impact on protein structure and function (internally defined REVEL score threshold >=0.7, PMID: 27666373). Splice site prediction tools suggest that this variant may not impact RNA splicing. To our knowledge, functional studies have not been performed for this variant. This variant has not been reported in individuals affected with cardiovascular disorders in the literature. This variant has not been identified in the general population by the Genome Aggregation Database (gnomAD). The available evidence is insufficient to determine the role of this variant in disease conclusively. Therefore, this variant is classified as a Variant of Uncertain Significance.

All of Us Research Program, National Institutes of Health
Classification: Uncertain significance for Catecholaminergic polymorphic ventricular tachycardia. Last evaluated: 2023-03-04. Review status: criteria provided, single submitter. Criteria: ACMG Guidelines, 2015. Collection method: clinical testing. Allele origin: germline. Inheritance: Autosomal dominant inheritance. Observed: 1 variant allele, 1 heterozygote.
Comment: This missense variant replaces glycine with alanine at codon 1235 of the RYR2 protein. Computational prediction tool suggests that this variant may have deleterious impact on protein structure and function (internally defined REVEL score threshold >=0.7, PMID: 27666373). Splice site prediction tools suggest that this variant may not impact RNA splicing. To our knowledge, functional studies have not been performed for this variant. This variant has not been reported in individuals affected with cardiovascular disorders in the literature. This variant has not been identified in the general population by the Genome Aggregation Database (gnomAD). The available evidence is insufficient to determine the role of this variant in disease conclusively. Therefore, this variant is classified as a Variant of Uncertain Significance.

This study involves interpretation of variants in research participants for the purpose of population health screening. Participant phenotype was not available at the time of variant classification. Additional details can be found in publication PMID: 35346344, PMCID: PMC8962531

Revvity Omics, Revvity
Classification: Uncertain significance. Last evaluated: 2021-09-09. Review status: criteria provided, single submitter. Criteria: ACMG Guidelines, 2015. Collection method: clinical testing. Allele origin: germline.

NM_001035.3(RYR2):c.3704G>C (p.Gly1235Ala)

Gene: RYR2 (ryanodine receptor 2; plus strand). Cytogenetic location: 1q43.
Variant type: single nucleotide variant.
Coding change: c.3704G>C on transcript NM_001035.3 (MANE Select); coding-DNA position 3704, G replaced by C.
Protein change: p.Gly1235Ala; replaces glycine 1235 with alanine.
Molecular consequence: missense variant.
Genome position (GRCh38, 1-based): chr1:237,589,898, G>C. VCF-style: chr1-237589898-G-C. GRCh37 (hg19) VCF-style: chr1-237753198-G-C.
Other names: short protein forms G1235A.
Identifiers: ClinVar variation 925863 (VCV000925863.8), dbSNP rs765263326, ClinGen allele CA345396359.
Genomic context (GRCh38, chr1:237,589,898, plus strand): 5'-TGAACTTTGGAAAGGATGTCAGCACCTTGAAATATTTCACCATCTGTGGCTTACAAGAGG[G>C]CTATGAACCATTTGCCGTTAATACAAACAGGGATATTACCATGTGGCTGAGCAAGAGGCT-3'
Protein context (NP_001026.2, residues 1225-1245): KYFTICGLQE[Gly1235Ala]YEPFAVNTNR